The following is an entry in ClinVar:

NM_001330260.2(SCN8A):c.3373-4C>G

Gene: SCN8A (sodium voltage-gated channel alpha subunit 8; plus strand). Cytogenetic location: 12q13.13.
Variant type: single nucleotide variant.
Coding change: c.3373-4C>G on transcript NM_001330260.2 (MANE Select); 4 bases into the intron before coding-DNA position 3373, C replaced by G.
Molecular consequence: intron variant.
Genome position (GRCh38, 1-based): chr12:51,769,864, C>G. VCF-style: chr12-51769864-C-G. GRCh37 (hg19) VCF-style: chr12-52163648-C-G.
Other names: c.3373-4C>G (NM_014191.4, NM_001177984.3, NM_001369788.1).
Identifiers: ClinVar variation 4874659 (VCV004874659.2).

ClinVar aggregate classification (germline): Uncertain significance (1 of 4 stars; one submission).

gnomAD v4.1: 1 of 1,582,594 alleles (0.000063%); highest among the groups gnomAD compares: Non-Finnish European, 0.000086%; no homozygotes.

Submission:

CeGaT Center for Human Genetics Tuebingen
Classification: Uncertain significance. Last evaluated: 2026-04-01. Review status: criteria provided, single submitter. Criteria: CeGaT Center For Human Genetics Tuebingen Variant Classification Criteria Version 2. Collection method: clinical testing. Allele origin: germline. Affected: yes. Observed: 1 variant allele.
Comment: SCN8A: PM2, BP4